The following is an entry in ClinVar:

NM_003151.4(STAT4):c.369C>G (p.Val123=)

Gene: STAT4 (signal transducer and activator of transcription 4; minus strand). Cytogenetic location: 2q32.2.
Variant type: single nucleotide variant.
Coding change: c.369C>G on transcript NM_003151.4 (MANE Select); coding-DNA position 369, C replaced by G.
Protein change: p.Val123=; no amino-acid change (valine 123 retained).
Molecular consequence: synonymous variant.
Genome position (GRCh38, 1-based): chr2:191,076,230, G>C on the plus strand (C>G on the coding strand, the complement: STAT4 is on the minus strand). VCF-style: chr2-191076230-G-C. GRCh37 (hg19) VCF-style: chr2-191940956-G-C.
Other names: c.369C>G, p.Val123= (NM_001243835.2).
Identifiers: ClinVar variation 1630930 (VCV001630930.10), dbSNP rs948592364, ClinGen allele CA62699786.

ClinVar aggregate classification (germline): Likely benign. Review status: criteria provided, multiple submitters, no conflicts (2 of 4 stars). 2 submissions from 2 submitters: Likely benign (2). Last evaluated 2026-05-01.

Allele frequency attached by ClinVar (database versions not stated): TOPMed below 0.00001.
gnomAD v4.1: 1 of 1,612,146 alleles (0.000062%); highest among the groups gnomAD compares: Admixed American, 0.0017%; no homozygotes.

Submissions (2):

CeGaT Center for Human Genetics Tuebingen
Classification: Likely benign. Last evaluated: 2026-05-01. Review status: criteria provided, single submitter. Criteria: CeGaT Center For Human Genetics Tuebingen Variant Classification Criteria Version 2. Collection method: clinical testing. Allele origin: germline. Affected: yes. Observed: 1 variant allele.
Comment: STAT4: BP4, BP7

Labcorp Genetics (formerly Invitae), Labcorp
Classification: Likely benign. Last evaluated: 2022-08-09. Review status: criteria provided, single submitter. Criteria: Invitae Variant Classification Sherloc (09022015). Collection method: clinical testing. Allele origin: germline.